The following is an entry in ClinVar:

ClinVar aggregate classification (germline): Uncertain significance. Review status: criteria provided, multiple submitters, no conflicts (2 of 4 stars). 2 submissions from 2 submitters: Uncertain significance (2). Last evaluated 2024-11-14.

Allele frequency attached by ClinVar (database versions not stated): gnomAD 0.00001; TOPMed 0.00001; gnomAD exomes 0.00006; ExAC 0.00007.
gnomAD v4.1: 34 of 1,610,620 alleles (0.0021%); highest among the groups gnomAD compares: South Asian, 0.034%; no homozygotes.

Submissions (2):

Labcorp Genetics (formerly Invitae), Labcorp
Classification: Uncertain significance. Last evaluated: 2024-11-14. Review status: criteria provided, single submitter. Criteria: Invitae Variant Classification Sherloc (09022015). Collection method: clinical testing. Allele origin: germline.
Comment: This sequence change replaces lysine, which is basic and polar, with threonine, which is neutral and polar, at codon 922 of the XPC protein (p.Lys922Thr). This variant is present in population databases (rs767346855, gnomAD 0.04%). This variant has not been reported in the literature in individuals affected with XPC-related conditions. ClinVar contains an entry for this variant (Variation ID: 1696256). An algorithm developed to predict the effect of missense changes on protein structure and function (PolyPhen-2) suggests that this variant is likely to be tolerated. In summary, the available evidence is currently insufficient to determine the role of this variant in disease. Therefore, it has been classified as a Variant of Uncertain Significance.

Women's Health and Genetics/Laboratory Corporation of America, LabCorp
Classification: Uncertain significance. Last evaluated: 2022-05-03. Review status: criteria provided, single submitter. Criteria: LabCorp Variant Classification Summary - May 2015. Collection method: clinical testing. Allele origin: germline.
Comment: Variant summary: XPC c.2765A>C (p.Lys922Thr) results in a non-conservative amino acid change in the encoded protein sequence. Three of five in-silico tools predict a benign effect of the variant on protein function. The variant allele was found at a frequency of 5.6e-05 in 248984 control chromosomes, predominantly at a frequency of 0.00042 within the South Asian subpopulation in the gnomAD database. This frequency is not significantly higher than expected for a pathogenic variant in XPC causing Xeroderma Pigmentosum (5.6e-05 vs 0.00071), allowing no conclusion about variant significance. c.2765A>C has been reported in the literature as a SNP among normal individuals in the Indian population (example, Gowda_2007). These report(s) do not provide unequivocal conclusions about association of the variant with Xeroderma Pigmentosum. To our knowledge, no experimental evidence demonstrating an impact on protein function has been reported. No clinical diagnostic laboratories have submitted clinical-significance assessments for this variant to ClinVar after 2014. Based on the evidence outlined above, the variant was classified as uncertain significance.

Literature cited by the submitters: PubMed 18478970 (cited by Women's Health and Genetics/Laboratory Corporation of America, LabCorp).

NM_004628.5(XPC):c.2765A>C (p.Lys922Thr)

Gene: XPC (XPC complex subunit, DNA damage recognition and repair factor; minus strand). Cytogenetic location: 3p25.1.
Variant type: single nucleotide variant.
Coding change: c.2765A>C on transcript NM_004628.5 (MANE Select); coding-DNA position 2765, A replaced by C.
Protein change: p.Lys922Thr; replaces lysine 922 with threonine.
Molecular consequence: missense variant. On other transcripts: non-coding transcript variant (2).
Genome position (GRCh38, 1-based): chr3:14,145,999, T>G on the plus strand (A>C on the coding strand, the complement: XPC is on the minus strand). VCF-style: chr3-14145999-T-G. GRCh37 (hg19) VCF-style: chr3-14187499-T-G.
Other names: c.2186A>C, p.Lys729Thr (NM_001354726.2); c.2759A>C, p.Lys920Thr (NM_001354727.2); c.2747A>C, p.Lys916Thr (NM_001354729.2); c.2519A>C, p.Lys840Thr (NM_001354730.2); short protein forms K729T, K840T, K916T, K920T, K922T.
Identifiers: ClinVar variation 1696256 (VCV001696256.3), dbSNP rs767346855, ClinGen allele CA2267023.